The following is an entry in ClinVar:

ClinVar aggregate classification (germline): Pathogenic. Review status: reviewed by expert panel (3 of 4 stars). 22 submissions from 22 submitters: Pathogenic (1). 21 of the submissions do not count toward it. Last evaluated 2021-09-07.

Conditions:
GAA-related disorder. Also called: GAA-related condition.
GAA-related disorders.
Glycogen storage disease, type II (IOPD). Also called: Glucosidase acid-1,4-alpha deficiency; CARDIOMEGALIA GLYCOGENICA DIFFUSA; GLYCOGENOSIS, GENERALIZED, CARDIAC FORM; GSD II; Pompe Disease; Glycogen storage disease type 2. Identifiers: Orphanet 365, MedGen C0017921, MONDO:0009290, OMIM 232300.

Allele frequency attached by ClinVar (database versions not stated): TOPMed 0.00002; gnomAD 0.00003; gnomAD exomes 0.00003; ExAC 0.00005; 1000 Genomes Project 0.00020; 1000 Genomes Project 30x 0.00031.

Submissions 1 to 9 of 22:

ClinGen Lysosomal Storage Disorder Variant Curation Expert Panel
Classification: Pathogenic for Glycogen storage disease, type II. Last evaluated: 2021-09-07. Review status: reviewed by expert panel. Criteria: clingen_lsd_acmg_specifications_v2-1. Collection method: curation. Allele origin: germline. Inheritance: Autosomal recessive inheritance.
Comment: The NM_000152.5:c.925G>A variant in GAA is a missense variant predicted to cause substitution of glycine by arginine at amino acid 309 (p.Gly309Arg). In a cohort of 54 Dutch patients with Pompe disease, the allele frequency of the variant was 5.5%, and evidence suggests that it is a founder variant in that population (PMID 9660056). This variant has been reported in more than 13 individuals diagnosed with Pompe disease; for at least 6 individuals, residual GAA activity is available and is in the deficient range (PMIDs 9660056, 16838077, 23430847, 23601496, 24495340, 27189384), with some patients also reported to be on enzyme replacement therapy and/or to have documentation of symptoms consistent with infantile onset Pompe disease (PMID 23402890, 23430847, 23601496, 24495340) (PP4_Moderate). More data is available in the literature but the maximum strength of evidence for PP4, as specified by the ClinGen LSD VCEP, can already be applied.. Ten of these individuals are compound heterozygous for the variant and a pathogenic variant (PMID: 9660056, 16838077, 16917947, 23402890, 23430847), phase unknown in all cases, and one is homozygous (PMID: 23601496)(PM3_Very strong). The highest continental population minor allele frequency in gnomAD v2.1.1 is 0.00005 (European non-Finnish) which is lower than the ClinGen LSD VCEP threshold (<0.001) for PM2_Supporting. In functional studies, when expressed in COS cells, this variant resulted in no increase in GAA activity and showed evidence of abnormal processing (PMIDs 9660056, 19862843)(PS3_Moderate). The computational predictor REVEL gives a score of 0.963, which is above the threshold of 0.7, evidence that correlates with impact to GAA function (PP3). There is a ClinVar entry for this variant (Variation ID: 188797; 2 star review status) with 8 submitters all classifying the variant as pathogenic. In summary, this variant meets the criteria to be classified as pathogenic for Pompe disease. ACMG/AMP criteria applied, as specified by the ClinGen LSD VCEP (Specifications Version 2.0): PM3_Very Strong, PS3_Moderate, PP4_Moderate, PP3, PM2_Supporting. (Classification approved on August 17, 2021)

Genomenon, Inc
Classification: Pathogenic for Glycogen storage disease, type II. Last evaluated: 2026-07-01. Review status: criteria provided, single submitter. Criteria: Genomenon Sequence Variant Interpretation Standards - Updated. Collection method: curation. Allele origin: germline. Affected: yes. Not counted in ClinVar's aggregate classification.
Comment: GAA p.Gly309Arg (c.925G>A) is a missense variant that changes the amino acid at codon 309 from Glycine to Arginine. This variant has been observed in at least one proband with a GAA-related disorder in the compound heterozygous and/or homozygous state (PMID:38584574;38250073;37701327;35302691;34072668;33972680;34020684;33301762;32518148;31899940;31545528). At least one functional study has demonstrated a substantial alteration in protein function relative to the wild-type (PMID:36246652;19862843;9660056). Splicing studies have been reported (PMID:32071926). It is absent or not present at a significant frequency in gnomAD. In silico models predict that this variant is possibly or probably damaging. In conclusion, we classify GAA p.Gly309Arg (c.925G>A) as a pathogenic variant.

Labcorp Genetics (formerly Invitae), Labcorp
Classification: Pathogenic for Glycogen storage disease, type II. Last evaluated: 2025-12-31. Review status: criteria provided, single submitter. Criteria: Invitae Variant Classification Sherloc (09022015). Collection method: clinical testing. Allele origin: germline. Not counted in ClinVar's aggregate classification.
Comment: This sequence change replaces glycine, which is neutral and non-polar, with arginine, which is basic and polar, at codon 309 of the GAA protein (p.Gly309Arg). This variant is present in population databases (rs543300039, gnomAD 0.01%). This missense change has been observed in individual(s) with Pompe disease (PMID: 9660056, 16917947, 17210890, 17616415, 23601496, 24245577, 24495340, 29122469). ClinVar contains an entry for this variant (Variation ID: 188797). Invitae Evidence Modeling of protein sequence and biophysical properties (such as structural, functional, and spatial information, amino acid conservation, physicochemical variation, residue mobility, and thermodynamic stability) indicates that this missense variant is expected to disrupt GAA protein function with a positive predictive value of 95%. Experimental studies have shown that this missense change affects GAA function (PMID: 9660056). For these reasons, this variant has been classified as Pathogenic.

Revvity Omics, Revvity
Classification: Pathogenic. Last evaluated: 2025-07-28. Review status: criteria provided, single submitter. Criteria: ACMG Guidelines, 2015. Collection method: clinical testing. Allele origin: germline. Not counted in ClinVar's aggregate classification.

Variantyx, Inc.
Classification: Pathogenic for Glycogen storage disease, type II. Last evaluated: 2025-05-14. Review status: criteria provided, single submitter. Criteria: Variantyx Assertion Criteria 2022. Collection method: clinical testing. Allele origin: germline. Inheritance: Autosomal recessive inheritance. Not counted in ClinVar's aggregate classification.
Comment: This is a nonsynonymous variant in the GAA gene (OMIM: 606800). Pathogenic variants in this gene have been associated with autosomal recessive glycogen storage disease II. This variant has been identified in the homozygous or compound heterozygous state in at least 10 individuals reported in the published literature (PMID: 9660056, 16838077, 16917947, 23402890, 23430847) (PM3), and it has been reported in more than 13 individuals diagnosed with Pompe disease; for at least 6 individuals, residual GAA activity was available nut it was in the deficient range (PMID: 9660056, 16838077, 23430847, 23601496, 24495340, 27189384) (PP4_Moderate). Functional studies have shown that this variant alters GAA protein function (PMID: 9660056, 19862843) (PS3_Moderate), and multiple computational algorithms predict a deleterious effect for this variant (REVEL score: 0.963) (PP3). This variant has a 0.0077% maximum allele frequency in non-founder control populations (PM2). Based on the current evidence, this variant is classified as pathogenic for autosomal recessive glycogen storage disease II.

Natera, Inc.
Classification: Pathogenic for Glycogen storage disease type II. Last evaluated: 2025-05-09. Review status: criteria provided, single submitter. Criteria: Natera Variant Classification Schema (03/2026). Collection method: clinical testing. Allele origin: germline. Not counted in ClinVar's aggregate classification.
Comment: The c.925G>A variant in GAA is a missense variant predicted to cause substitution of glycine to arginine at amino acid 309. This variant is rare in the general population with a frequency below the threshold expected for the associated phenotype(s). This variant has been observed in one or more individuals affected with the associated recessive disease, as either homozygous or compound heterozygous with a second variant (PMID: 34072668, 31086307). Given the available evidence, this variant is classified as Pathogenic.

PreventionGenetics, part of Exact Sciences
Classification: Pathogenic for GAA-related condition. Last evaluated: 2024-11-12. Review status: criteria provided, single submitter. Criteria: ACMG Guidelines, 2015. Collection method: clinical testing. Allele origin: germline. Not counted in ClinVar's aggregate classification.
Comment: The GAA c.925G>A variant is predicted to result in the amino acid substitution p.Gly309Arg. This variant has been reported in the homozygous or compound heterozygous state in many unrelated individuals to be causative for glycogen storage disease II (Kroos et al 1998. PubMed ID: 9660056; Gort L et al 2007. PubMed ID: 17616415; Elder ME et al 2013. PubMed ID: 23601496). Functional studies indicate that this variant results in a lack of maturation to the active enzyme and COS cells transfected with the p.Gly309Arg variant showed no catalytically active enzyme (Kroos et al 1998. PubMed ID: 9660056) This variant is reported in 0.010% of alleles in individuals of Ashkenazi Jewish descent in gnomAD and has been classified as pathogenic by the ClinGen Lysosomal Storage Disorder Variant Curation Expert Panel in Clinvar. This variant is interpreted as pathogenic.

Blueprint Genetics
Classification: Pathogenic for GAA-related disorders. Last evaluated: 2024-08-29. Review status: criteria provided, single submitter. Criteria: ACMG Guidelines, 2015. Collection method: clinical testing. Allele origin: germline. Affected: yes. Observed: 4 variant alleles. Not counted in ClinVar's aggregate classification.

Fulgent Genetics
Classification: Pathogenic for Glycogen storage disease, type II. Last evaluated: 2024-05-23. Review status: criteria provided, single submitter. Criteria: ACMG Guidelines, 2015. Collection method: clinical testing. Allele origin: germline. Not counted in ClinVar's aggregate classification.

NM_000152.5(GAA):c.925G>A (p.Gly309Arg)

Gene: GAA (alpha glucosidase; plus strand). Cytogenetic location: 17q25.3.
Variant type: single nucleotide variant.
Coding change: c.925G>A on transcript NM_000152.5 (MANE Select); coding-DNA position 925, G replaced by A.
Protein change: p.Gly309Arg; replaces glycine 309 with arginine.
Molecular consequence: missense variant.
Genome position (GRCh38, 1-based): chr17:80,107,866, G>A. VCF-style: chr17-80107866-G-A. GRCh37 (hg19) VCF-style: chr17-78081665-G-A.
Other names: c.925G>A, p.Gly309Arg (NM_001079803.3, NM_001079804.3); c.925G>A (LRG_673t1, NM_000152.4); short protein forms G309R.
Identifiers: ClinVar variation 188797 (VCV000188797.99), dbSNP rs543300039, ClinGen allele CA273972.
Genomic context (GRCh38, chr17:80,107,866, plus strand): 5'-GCGAACCTCTACGGGTCTCACCCTTTCTACCTGGCGCTGGAGGACGGCGGGTCGGCACAC[G>A]GGGTGTTCCTGCTAAACAGCAATGCCATGGGTAAGCTGCCCGCCGCCCAGCGCCCGGGCC-3'
Protein context (NP_000143.2, residues 299-319): LALEDGGSAH[Gly309Arg]VFLLNSNAMD